The following is an entry in ClinVar:

ClinVar aggregate classification (germline): Pathogenic. Review status: criteria provided, multiple submitters, no conflicts (2 of 4 stars). 3 submissions from 3 submitters: Pathogenic (3). Last evaluated 2025-06-18.

Conditions:
Galactosylceramide beta-galactosidase deficiency. Also called: Leukodystrophy, Globoid Cell; Krabbe Disease; GALACTOCEREBROSIDASE DEFICIENCY; GALC DEFICIENCY; GLOBOID CELL LEUKOENCEPHALOPATHY. Identifiers: Orphanet 487, MedGen C0023521, MONDO:0009499, OMIM 245200.

Submissions (3):

Myriad Genetics, Inc.
Classification: Pathogenic for Galactosylceramide beta-galactosidase deficiency. Last evaluated: 2025-06-18. Review status: criteria provided, single submitter. Criteria: Myriad Autosomal Dominant, Autosomal Recessive and X-Linked Classification Criteria (2023). Collection method: clinical testing. Allele origin: unknown.
Comment: NM_000153.3(GALC):c.396G>A(W132*) is expected to be pathogenic in the context of Krabbe disease. This variant is predicted to lead to an abnormal or absent protein product due to the creation of a premature termination codon in GALC, a gene where loss-of-function variants are known to be pathogenic. Please note: this variant was assessed in the context of healthy population screening.

Kasturba Medical College, Manipal, Kasturba Medical College, Manipal, Manipal Academy of Higher Education, Manipal, India
Classification: Pathogenic for Galactosylceramide beta-galactosidase deficiency. Last evaluated: 2022-11-07. Review status: criteria provided, single submitter. Criteria: ACMG Guidelines, 2015. Collection method: clinical testing. Allele origin: germline. Inheritance: Autosomal recessive inheritance. Affected: yes.

Laboratory of Medical Genetics, National & Kapodistrian University of Athens
Classification: Pathogenic for Galactosylceramide beta-galactosidase deficiency. Last evaluated: 2021-10-05. Review status: criteria provided, single submitter. Criteria: ACMG Guidelines, 2015. Collection method: clinical testing. Allele origin: maternal. Affected: yes.
Comment: PVS1, PM2, PP3, PM3

NM_000153.4(GALC):c.396G>A (p.Trp132Ter)

Gene: GALC (galactosylceramidase; minus strand). Cytogenetic location: 14q31.3.
Variant type: single nucleotide variant.
Coding change: c.396G>A on transcript NM_000153.4 (MANE Select); coding-DNA position 396, G replaced by A.
Protein change: p.Trp132Ter; replaces tryptophan 132 with a stop codon.
Molecular consequence: nonsense.
Genome position (GRCh38, 1-based): chr14:87,986,535, C>T on the plus strand (G>A on the coding strand, the complement: GALC is on the minus strand). VCF-style: chr14-87986535-C-T. GRCh37 (hg19) VCF-style: chr14-88452879-C-T.
Other names: c.327G>A, p.Trp109Ter (NM_001201401.2); c.318G>A, p.Trp106Ter (NM_001201402.2); short protein forms W106*, W109*, W132*.
Identifiers: ClinVar variation 1299585 (VCV001299585.2), dbSNP rs2139754775, ClinGen allele CA390752515.